The following is an entry in ClinVar:

NM_001292063.2(OTOG):c.3667A>G (p.Thr1223Ala)

Gene: OTOG (otogelin; plus strand). Cytogenetic location: 11p15.1.
Variant type: single nucleotide variant.
Coding change: c.3667A>G on transcript NM_001292063.2 (MANE Select); coding-DNA position 3667, A replaced by G.
Protein change: p.Thr1223Ala; replaces threonine 1223 with alanine.
Molecular consequence: missense variant.
Genome position (GRCh38, 1-based): chr11:17,596,992, A>G. VCF-style: chr11-17596992-A-G. GRCh37 (hg19) VCF-style: chr11-17618539-A-G.
Other names: c.3703A>G, p.Thr1235Ala (NM_001277269.2); short protein forms T1223A, T1235A.
Identifiers: ClinVar variation 1937949 (VCV001937949.5), dbSNP rs764534477, ClinGen allele CA379787403.

ClinVar aggregate classification (germline): Uncertain significance (1 of 4 stars; one submission).

Allele frequency attached by ClinVar (database versions not stated): gnomAD exomes below 0.00001.
gnomAD v4.1: 1 of 1,536,146 alleles (0.000065%); highest among the groups gnomAD compares: Non-Finnish European, 0.000088%; no homozygotes.

Submission:

Labcorp Genetics (formerly Invitae), Labcorp
Classification: Uncertain significance. Last evaluated: 2022-06-23. Review status: criteria provided, single submitter. Criteria: Invitae Variant Classification Sherloc (09022015). Collection method: clinical testing. Allele origin: germline.
Comment: Algorithms developed to predict the effect of missense changes on protein structure and function are either unavailable or do not agree on the potential impact of this missense change (SIFT: "Deleterious"; PolyPhen-2: "Benign"; Align-GVGD: "Class C0"). In summary, the available evidence is currently insufficient to determine the role of this variant in disease. Therefore, it has been classified as a Variant of Uncertain Significance. This variant has not been reported in the literature in individuals affected with OTOG-related conditions. This sequence change replaces threonine, which is neutral and polar, with alanine, which is neutral and non-polar, at codon 1235 of the OTOG protein (p.Thr1235Ala). This variant is not present in population databases (gnomAD no frequency).